The following is an entry in ClinVar:

NM_005859.5(PURA):c.458G>A (p.Arg153His)

Gene: PURA (purine rich element binding protein A; plus strand). Cytogenetic location: 5q31.3.
Variant type: single nucleotide variant.
Coding change: c.458G>A on transcript NM_005859.5 (MANE Select); coding-DNA position 458, G replaced by A.
Protein change: p.Arg153His; replaces arginine 153 with histidine.
Molecular consequence: missense variant.
Genome position (GRCh38, 1-based): chr5:140,114,639, G>A. VCF-style: chr5-140114639-G-A. GRCh37 (hg19) VCF-style: chr5-139494224-G-A.
Other names: short protein forms R153H.
Identifiers: ClinVar variation 2574538 (VCV002574538.1), dbSNP rs886039610, ClinGen allele CA361490812.

ClinVar aggregate classification (germline): Uncertain significance (1 of 4 stars; one submission).

Submission:

GeneDx
Classification: Uncertain significance. Last evaluated: 2023-01-27. Review status: criteria provided, single submitter. Criteria: GeneDx Variant Classification Process June 2021. Collection method: clinical testing. Allele origin: germline. Affected: yes.
Comment: Not observed at significant frequency in large population cohorts (gnomAD); In silico analysis supports that this missense variant has a deleterious effect on protein structure/function; Has not been previously published as pathogenic or benign to our knowledge